The following is an entry in ClinVar:

NC_000001.10:g.(?_40561110)_(40562920_?)del

Gene: PPT1 (palmitoyl-protein thioesterase 1; minus strand). Cytogenetic location: 1p34.2.
Variant type: Deletion.
Identifiers: ClinVar variation 2422854 (VCV002422854.3).

ClinVar aggregate classification (germline): Pathogenic (1 of 4 stars; one submission).

Conditions:
Neuronal ceroid lipofuscinosis 1 (CLN1). Also called: CEROID LIPOFUSCINOSIS, NEURONAL, 1, VARIABLE AGE AT ONSET; PPT1-Related Neuronal Ceroid-Lipofuscinosis. Identifiers: Orphanet 228329, MedGen C1850451, MONDO:0009744, OMIM 256730.

Submission:

Labcorp Genetics (formerly Invitae), Labcorp
Classification: Pathogenic for Neuronal ceroid lipofuscinosis 1. Last evaluated: 2022-07-13. Review status: criteria provided, single submitter. Criteria: Invitae Variant Classification Sherloc (09022015). Collection method: clinical testing. Allele origin: germline.
Comment: This variant is a gross deletion of the genomic region encompassing exon(s) 1 of the PPT1 gene, which includes the initiator codon. This deletion extends beyond the assayed region for this gene and therefore may encompass additional genes. It is expected to result in an absent or disrupted protein product. Loss-of-function variants in PPT1 are known to be pathogenic (PMID: 10679943, 21990111). This variant has not been reported in the literature in individuals affected with PPT1-related conditions. For these reasons, this variant has been classified as Pathogenic.

Literature cited by the submitters: PubMed 10679943; PubMed 21990111.